The following is an entry in ClinVar:

ClinVar aggregate classification (germline): Likely benign (1 of 4 stars; one submission).

Conditions:
Epidermolysis bullosa simplex due to plakophilin deficiency. Also called: MCGRATH SYNDROME. Identifiers: Orphanet 158668, MedGen C1858302, MONDO:0011472, OMIM 604536.

Allele frequency attached by ClinVar (database versions not stated): 1000 Genomes Project 30x 0.00219; 1000 Genomes Project 0.00240; gnomAD 0.00311 and 0.00339; TOPMed 0.00332.

Submission:

Illumina Laboratory Services, Illumina
Classification: Likely benign for Epidermolysis bullosa simplex due to plakophilin deficiency. Last evaluated: 2018-01-12. Review status: criteria provided, single submitter. Criteria: ICSL Variant Classification Criteria 13 December 2019. Collection method: clinical testing. Allele origin: germline.
Comment: This variant was observed in the ICSL laboratory as part of a predisposition screen in an ostensibly healthy population. It had not been previously curated by ICSL or reported in the Human Gene Mutation Database (HGMD: prior to June 1st, 2018), and was therefore a candidate for classification through an automated scoring system. Utilizing variant allele frequency, disease prevalence and penetrance estimates, and inheritance mode, an automated score was calculated to assess if this variant is too frequent to cause the disease. Based on the score and internal cut-off values, a variant classified as likely benign is not then subjected to further curation. The score for this variant resulted in a classification of likely benign for this disease.

NM_001005337.3(PKP1):c.*896T>C

Gene: PKP1 (plakophilin 1; plus strand). Cytogenetic location: 1q32.1.
Variant type: single nucleotide variant.
Coding change: c.*896T>C on transcript NM_001005337.3 (MANE Select); 896 bases downstream of the stop codon, T replaced by C.
Molecular consequence: 3 prime UTR variant.
Genome position (GRCh38, 1-based): chr1:201,330,937, T>C. VCF-style: chr1-201330937-T-C. GRCh37 (hg19) VCF-style: chr1-201300065-T-C.
Other names: c.*896T>C (NM_000299.4).
Identifiers: ClinVar variation 875134 (VCV000875134.4), dbSNP rs181273328, ClinGen allele CA35394218.